The following is an entry in ClinVar:

ClinVar aggregate classification (germline): Uncertain significance (1 of 4 stars; one submission).

Submission:

GeneDx
Classification: Uncertain significance. Last evaluated: 2023-09-18. Review status: criteria provided, single submitter. Criteria: GeneDx Variant Classification Process June 2021. Collection method: clinical testing. Allele origin: germline. Affected: yes.
Comment: Not observed at significant frequency in large population cohorts (gnomAD); In silico analysis supports that this missense variant has a deleterious effect on protein structure/function; Has not been previously published as pathogenic or benign to our knowledge

NM_001348323.3(TRIP12):c.2912T>G (p.Leu971Arg)

Gene: TRIP12 (thyroid hormone receptor interactor 12; minus strand). Cytogenetic location: 2q36.3.
Variant type: single nucleotide variant.
Coding change: c.2912T>G on transcript NM_001348323.3 (MANE Select); coding-DNA position 2912, T replaced by G.
Protein change: p.Leu971Arg; replaces leucine 971 with arginine.
Molecular consequence: missense variant.
Genome position (GRCh38, 1-based): chr2:229,803,657, A>C on the plus strand (T>G on the coding strand, the complement: TRIP12 is on the minus strand). VCF-style: chr2-229803657-A-C. GRCh37 (hg19) VCF-style: chr2-230668373-A-C.
Other names: c.2831T>G, p.Leu944Arg (NM_001284214.2, NM_001348315.2); c.2786T>G, p.Leu929Arg (NM_001284215.2, NM_001348316.2, NM_001348317.1 and 1 more transcripts); c.1877T>G, p.Leu626Arg (NM_001284216.2); c.2912T>G, p.Leu971Arg (NM_001348319.1, NM_001348320.2, NM_001348322.1 and 4 more transcripts); c.2915T>G, p.Leu972Arg (NM_001348321.1, NM_001348328.1, NM_001348329.2 and 1 more transcripts); c.2705T>G, p.Leu902Arg (NM_001348331.1); c.2825T>G, p.Leu942Arg (NM_001348332.1); c.2834T>G, p.Leu945Arg (NM_001348333.1); and 1 more; short protein forms L626R, L896R, L902R, L929R, L942R, L944R, L945R, L971R.
Identifiers: ClinVar variation 1314761 (VCV001314761.4), dbSNP rs2154270414, ClinGen allele CA350911701.
Genomic context (GRCh38, chr2:229,803,657, plus strand): 5'-ATATCAGGTAACTTCTGCATTAAAATTTCTGCCATCTGAAGTGCTCCCACTACTATCTTC[A>C]GGTCTTGGCTTGACAGCATGGAAGCAATGTGACTAAAAAAAGAAAGCATTTGTATATAAA-3'
Protein context (NP_001335252.1, residues 961-981): HIASMLSSQD[Leu971Arg]KIVVGALQMA